The following is an entry in ClinVar:

ClinVar aggregate classification (germline): Uncertain significance. Review status: criteria provided, multiple submitters, no conflicts (2 of 4 stars). 2 submissions from 2 submitters: Uncertain significance (2). Last evaluated 2022-07-11.

Conditions:
Inborn genetic diseases. Identifiers: MedGen C0950123, MeSH D030342.
Peroxisome biogenesis disorder. Identifiers: Orphanet 79189, MedGen C1832200, MONDO:0019234. Disease mechanism: loss of function.

Allele frequency attached by ClinVar (database versions not stated): gnomAD exomes 0.00001; TOPMed 0.00006.
gnomAD v4.1: 21 of 1,497,008 alleles (0.0014%); highest among the groups gnomAD compares: East Asian, 0.041%; no homozygotes.

Submissions (2):

Labcorp Genetics (formerly Invitae), Labcorp
Classification: Uncertain significance for Peroxisome biogenesis disorder. Last evaluated: 2022-07-11. Review status: criteria provided, single submitter. Criteria: Invitae Variant Classification Sherloc (09022015). Collection method: clinical testing. Allele origin: germline.
Comment: This sequence change replaces glutamic acid, which is acidic and polar, with lysine, which is basic and polar, at codon 65 of the PEX6 protein (p.Glu65Lys). This variant is present in population databases (no rsID available, gnomAD 0.1%). This variant has not been reported in the literature in individuals affected with PEX6-related conditions. Algorithms developed to predict the effect of missense changes on protein structure and function are either unavailable or do not agree on the potential impact of this missense change (SIFT: "Tolerated"; PolyPhen-2: "Probably Damaging"; Align-GVGD: "Class C0"). In summary, the available evidence is currently insufficient to determine the role of this variant in disease. Therefore, it has been classified as a Variant of Uncertain Significance.

Ambry Genetics
Classification: Uncertain significance for Inborn genetic diseases. Last evaluated: 2022-05-11. Review status: criteria provided, single submitter. Criteria: Ambry Variant Classification Scheme 2023. Collection method: clinical testing. Allele origin: germline.

NM_000287.4(PEX6):c.193G>A (p.Glu65Lys)

Gene: PEX6 (peroxisomal biogenesis factor 6; minus strand). Cytogenetic location: 6p21.1.
Variant type: single nucleotide variant.
Coding change: c.193G>A on transcript NM_000287.4 (MANE Select); coding-DNA position 193, G replaced by A.
Protein change: p.Glu65Lys; replaces glutamic acid 65 with lysine.
Molecular consequence: missense variant. On other transcripts: non-coding transcript variant (1).
Genome position (GRCh38, 1-based): chr6:42,978,958, C>T on the plus strand (G>A on the coding strand, the complement: PEX6 is on the minus strand). VCF-style: chr6-42978958-C-T. GRCh37 (hg19) VCF-style: chr6-42946696-C-T.
Other names: c.193G>A (NM_000287.3); c.193G>A, p.Glu65Lys (NM_001316313.2); short protein forms E65K.
Identifiers: ClinVar variation 2143216 (VCV002143216.2), dbSNP rs1225547255, ClinGen allele CA364168316.